The following is an entry in ClinVar:

NM_003126.4(SPTA1):c.2520G>C (p.Glu840Asp)

Gene: SPTA1 (spectrin alpha, erythrocytic 1; minus strand). Cytogenetic location: 1q23.1.
Variant type: single nucleotide variant.
Coding change: c.2520G>C on transcript NM_003126.4 (MANE Select); coding-DNA position 2520, G replaced by C.
Protein change: p.Glu840Asp; replaces glutamic acid 840 with aspartic acid.
Molecular consequence: missense variant.
Genome position (GRCh38, 1-based): chr1:158,661,354, C>G on the plus strand (G>C on the coding strand, the complement: SPTA1 is on the minus strand). VCF-style: chr1-158661354-C-G. GRCh37 (hg19) VCF-style: chr1-158631144-C-G.
Other names: p.Glu840Asp; short protein forms E840D.
Identifiers: ClinVar variation 293011 (VCV000293011.27), dbSNP rs34577746, ClinGen allele CA1183369.

ClinVar aggregate classification (germline): Benign/Likely benign. Review status: criteria provided, multiple submitters, no conflicts (2 of 4 stars). 7 submissions from 5 submitters: Benign (4); Likely benign (3). Last evaluated 2026-01-11.

Conditions:
Elliptocytosis 2 (EL2). Also called: ELLIPTOCYTOSIS, RHESUS-UNLINKED TYPE. Identifiers: Orphanet 288, MedGen C1851741, MONDO:0007533, OMIM 130600.
Pyropoikilocytosis, hereditary. Also called: Pyropoikilocytosis. Identifiers: MedGen C0520739, MONDO:0009948, OMIM 266140, HP:0004839. Disease mechanism: loss of function.
Hereditary spherocytosis type 3. Also called: Spherocytosis type 3; SPTA1-Related Spherocytosis. Identifiers: Orphanet 822, MedGen C2678338, MONDO:0010053, OMIM 270970.

Allele frequency attached by ClinVar (database versions not stated): gnomAD exomes 0.00121 and 0.00304; ExAC 0.00369; 1000 Genomes Project 0.01178; 1000 Genomes Project 30x 0.01187; gnomAD 0.01231 and 0.01305; ESP Exome Variant Server 0.01259; TOPMed 0.01355.
gnomAD v4.1: 3,746 of 1,613,906 alleles (0.23%); highest among the groups gnomAD compares: African/African-American, 4.4%; 65 homozygotes.

Submissions (7):

Labcorp Genetics (formerly Invitae), Labcorp
Classification: Benign. Last evaluated: 2026-01-11. Review status: criteria provided, single submitter. Criteria: Invitae Variant Classification Sherloc (09022015). Collection method: clinical testing. Allele origin: germline.

ARUP Laboratories, Molecular Genetics and Genomics, ARUP Laboratories
Classification: Benign. Last evaluated: 2025-07-14. Review status: criteria provided, single submitter. Criteria: ARUP Molecular Germline Variant Investigation Process 2024. Collection method: clinical testing. Allele origin: germline.

Mayo Clinic Laboratories, Mayo Clinic
Classification: Benign. Last evaluated: 2022-06-09. Review status: criteria provided, single submitter. Criteria: ACMG Guidelines, 2015. Collection method: clinical testing. Allele origin: germline. Observed: 38 variant alleles.
Comment: BS1, BS2, BP4

Illumina Laboratory Services, Illumina
Classification: Benign for Elliptocytosis 2. Last evaluated: 2018-01-13. Review status: criteria provided, single submitter. Criteria: ICSL Variant Classification Criteria 13 December 2019. Collection method: clinical testing. Allele origin: germline.
Comment: This variant was observed in the ICSL laboratory as part of a predisposition screen in an ostensibly healthy population. It had not been previously curated by ICSL or reported in the Human Gene Mutation Database (HGMD: prior to June 1st, 2018), and was therefore a candidate for classification through an automated scoring system. Utilizing variant allele frequency, disease prevalence and penetrance estimates, and inheritance mode, an automated score was calculated to assess if this variant is too frequent to cause the disease. Based on the score and internal cut-off values, a variant classified as benign is not then subjected to further curation. The score for this variant resulted in a classification of benign for this disease.

Illumina Laboratory Services, Illumina
Classification: Likely benign for Pyropoikilocytosis, hereditary. Last evaluated: 2018-01-13. Review status: criteria provided, single submitter. Criteria: ICSL Variant Classification Criteria 13 December 2019. Collection method: clinical testing. Allele origin: germline.
Comment: This variant was observed in the ICSL laboratory as part of a predisposition screen in an ostensibly healthy population. It had not been previously curated by ICSL or reported in the Human Gene Mutation Database (HGMD: prior to June 1st, 2018), and was therefore a candidate for classification through an automated scoring system. Utilizing variant allele frequency, disease prevalence and penetrance estimates, and inheritance mode, an automated score was calculated to assess if this variant is too frequent to cause the disease. Based on the score and internal cut-off values, a variant classified as likely benign is not then subjected to further curation. The score for this variant resulted in a classification of likely benign for this disease.

Illumina Laboratory Services, Illumina
Classification: Likely benign for Hereditary spherocytosis type 3. Last evaluated: 2018-01-13. Review status: criteria provided, single submitter. Criteria: ICSL Variant Classification Criteria 13 December 2019. Collection method: clinical testing. Allele origin: germline.
Comment: the same text as in the submission from Illumina Laboratory Services, Illumina above.

Breakthrough Genomics
Classification: Likely benign. Review status: criteria provided, single submitter. Criteria: ACMG Guidelines, 2015. Collection method: not provided. Allele origin: germline. Inheritance: Autosomal recessive inheritance. Affected: yes.